The following is an entry in ClinVar:

NM_002161.6(IARS1):c.2806G>A (p.Glu936Lys)

Gene: IARS1 (isoleucyl-tRNA synthetase 1; minus strand). Cytogenetic location: 9q22.31.
Variant type: single nucleotide variant.
Coding change: c.2806G>A on transcript NM_002161.6 (MANE Select); coding-DNA position 2806, G replaced by A.
Protein change: p.Glu936Lys; replaces glutamic acid 936 with lysine.
Molecular consequence: missense variant. On other transcripts: non-coding transcript variant (1).
Genome position (GRCh38, 1-based): chr9:92,245,057, C>T on the plus strand (G>A on the coding strand, the complement: IARS1 is on the minus strand). VCF-style: chr9-92245057-C-T. GRCh37 (hg19) VCF-style: chr9-95007339-C-T.
Other names: c.2710G>A, p.Glu904Lys (NM_001378582.1); c.2683G>A, p.Glu895Lys (NM_001378583.1); c.2731G>A, p.Glu911Lys (NM_001378584.1, NM_001374299.1, NM_001374300.1); c.2806G>A, p.Glu936Lys (NM_001378585.1, NM_001378586.1, NM_013417.4 and 9 more transcripts); c.2806G>A (NM_013417.2); c.2722G>A, p.Glu908Lys (NM_001374301.1); c.2869G>A, p.Glu957Lys (NM_001378569.1); c.2827G>A, p.Glu943Lys (NM_001378571.1); short protein forms E895K, E904K, E908K, E911K, E936K, E943K, E957K.
Identifiers: ClinVar variation 1805635 (VCV001805635.2), dbSNP rs777337953, ClinGen allele CA5122087.

ClinVar aggregate classification (germline): Uncertain significance. Review status: criteria provided, multiple submitters, no conflicts (2 of 4 stars). 2 submissions from 2 submitters: Uncertain significance (2). Last evaluated 2024-03-31.

Conditions:
Growth retardation, intellectual developmental disorder, hypotonia, and hepatopathy (GRIDHH). Also called: GROWTH RETARDATION, IMPAIRED INTELLECTUAL DEVELOPMENT, HYPOTONIA, AND HEPATOPATHY. Identifiers: Orphanet 541423, MedGen C4310720, MONDO:0014911, OMIM 617093.

Allele frequency attached by ClinVar (database versions not stated): gnomAD exomes below 0.00001; ExAC 0.00001.
gnomAD v4.1: 2 of 1,614,102 alleles (0.00012%); highest among the groups gnomAD compares: East Asian, 0.0045%; no homozygotes.

Submissions (2):

Ambry Genetics
Classification: Uncertain significance. Last evaluated: 2024-03-31. Review status: criteria provided, single submitter. Criteria: Ambry Variant Classification Scheme 2023. Collection method: clinical testing. Allele origin: germline.

Victorian Clinical Genetics Services, Murdoch Childrens Research Institute
Classification: Uncertain significance for Growth retardation, intellectual developmental disorder, hypotonia, and hepatopathy. Last evaluated: 2020-05-25. Review status: criteria provided, single submitter. Criteria: ACMG Guidelines, 2015. Collection method: clinical testing. Allele origin: germline. Inheritance: Autosomal recessive inheritance. Affected: yes.
Comment: Based on the classification scheme VCGS_Germline_v1.1.1, this variant is classified as VUS – 3C. Following criteria are met: 0102 - Loss-of-function is a known mechanism of disease for this gene. (N) 0106 - This gene is known to be associated with autosomal recessive disease. (N) 0200 - Variant is predicted to result in a missense amino acid change from glutamic acid to lysine (exon 27). (N) 0251 - Variant is heterozygous. (N) 0304 - Variant is present in gnomAD <0.01 for a recessive condition (1 heterozygote, 0 homozygote). (P) 0503 - Missense variant consistently predicted to be tolerated or not conserved in mammals with a minor amino acid change. (B) 0604 - Variant is not located in an established domain, motif, hotspot or informative constraint region. (N) 0705 - No comparable variants have previous evidence for pathogenicity. (N) 0807 - Variant has not previously been reported in a clinical context. (N) 0905 - No segregation evidence has been identified for this variant. (N) 1007 - No published functional evidence has been identified for this variant. (N) 1208 - Inheritance information for this variant is not currently available. (N) Legend: (P) - Pathogenic, (N) - Neutral, (B) - Benign